The following is an entry in ClinVar:

NM_005499.3(UBA2):c.149A>G (p.Asp50Gly)

Gene: UBA2 (ubiquitin like modifier activating enzyme 2; plus strand). Cytogenetic location: 19q13.11.
Variant type: single nucleotide variant.
Coding change: c.149A>G on transcript NM_005499.3 (MANE Select); coding-DNA position 149, A replaced by G.
Protein change: p.Asp50Gly; replaces aspartic acid 50 with glycine.
Molecular consequence: missense variant. On other transcripts: 5 prime UTR variant (1).
Genome position (GRCh38, 1-based): chr19:34,430,586, A>G. VCF-style: chr19-34430586-A-G. GRCh37 (hg19) VCF-style: chr19-34921491-A-G.
Other names: c.-140A>G (NM_001411139.1); short protein forms D50G.
Identifiers: ClinVar variation 4819087 (VCV004819087.1).

ClinVar aggregate classification (germline): Likely pathogenic (1 of 4 stars; one submission).

Conditions:
ACCES syndrome (ACCES). Also called: APLASIA CUTIS CONGENITA WITH ECTRODACTYLY SKELETAL SYNDROME. Identifiers: MedGen C5677019, MONDO:0859262, OMIM 619959.

Submission:

Genos
Classification: Likely pathogenic for ACCES syndrome. Last evaluated: 2026-03-06. Review status: criteria provided, single submitter. Criteria: ACMG Guidelines, 2015. Collection method: clinical testing. Allele origin: unknown. Inheritance: Autosomal dominant inheritance. Affected: yes. Observed: 1 variant allele, 1 heterozygote.
Comment: The variant affects a highly conserved nucleotide (PhyloP100: 8.74) and results in a missense change from aspartic acid to glycine (a substitution of an acidic, negatively charged amino acid with a neutral amino acid of very small size and high conformational flexibility). The substitution is located in the N-terminal part of the UBA2 adenylation domain, within the highly conserved p.Ile47–p.Phe61 region, which shows high missense constraint (DECIPHER RMC: 0.349). Variants affecting this region, namely p.Asn56Ala, p.Leu57Ala, and p.Arg59Ala, have been shown to result in loss of UBA2 function, and residue p.Asp50 has been demonstrated to form hydrogen bonds with p.Asn177 and p.Thr178 that are essential for proper protein folding and, consequently, preservation of protein function (PMID: 20164921). In silico tools support a deleterious effect of the variant (REVEL: 0.82). The variant is absent from control chromosomes in gnomAD v4.1.0. In the literature, it has been described in one family with ectrodactyly and was classified as “likely pathogenic” (PMID: 34159400). According to ACMG/AMP recommendations with ACGS 2024 modifications, the variant was classified as likely pathogenic based on the following criteria: PM1, PM2, PP2, and PP3.